The following is an entry in ClinVar:

NM_004260.4(RECQL4):c.14_34del (p.Arg5_Leu11del)

Genes: RECQL4 (RecQ like helicase 4; minus strand), LOC130001411 (ATAC-STARR-seq lymphoblastoid silent region 19699; plus strand). Cytogenetic location: 8q24.3.
Variant type: Deletion.
Coding change: c.14_34del on transcript NM_004260.4 (MANE Select); coding-DNA positions 14 to 34, 21 bases deleted (GGGACGTGCGGGAGCGGCTGC).
Protein change: p.Arg5_Leu11del.
Molecular consequence: inframe deletion, initiator codon variant.
Genome position (GRCh38, 1-based): chr8:144,517,751-144,517,771, GCAGCCGCTCCCGCACGTCCC deleted on the plus strand (GGGACGTGCGGGAGCGGCTGC on the coding strand, the reverse complement: RECQL4 is on the minus strand); deleting any 21 consecutive bases within chr8:144,517,751-144,517,782 gives the same sequence; the c. name uses the placement nearest the transcript's 3' end. VCF-style (leftmost placement, unchanged base first): chr8-144517750-TGCAGCCGCTCCCGCACGTCCC-T. GRCh37 (hg19) VCF-style: chr8-145743134-TGCAGCCGCTCCCGCACGTCCC-T.
Other names: c.14_34delGGGACGTGCGGGAGCGGCTGC (NM_004260.3).
Identifiers: ClinVar variation 643816 (VCV000643816.8), dbSNP rs1445577376, ClinGen allele CA585833128.

ClinVar aggregate classification (germline): Uncertain significance (1 of 4 stars; one submission).

Conditions:
Baller-Gerold syndrome (BGS). Also called: CRANIOSYNOSTOSIS WITH RADIAL DEFECTS. Identifiers: Orphanet 1225, MedGen C0265308, MONDO:0009039, OMIM 218600.

Submission:

Labcorp Genetics (formerly Invitae), Labcorp
Classification: Uncertain significance for Baller-Gerold syndrome. Last evaluated: 2025-02-05. Review status: criteria provided, single submitter. Criteria: Invitae Variant Classification Sherloc (09022015). Collection method: clinical testing. Allele origin: germline.
Comment: This variant, c.14_34del, results in the deletion of 7 amino acid(s) of the RECQL4 protein (p.Arg5_Leu11del), but otherwise preserves the integrity of the reading frame. This variant is present in population databases (no rsID available, gnomAD 0.007%). This variant has not been reported in the literature in individuals affected with RECQL4-related conditions. ClinVar contains an entry for this variant (Variation ID: 643816). Experimental studies and prediction algorithms are not available or were not evaluated, and the functional significance of this variant is currently unknown. In summary, the available evidence is currently insufficient to determine the role of this variant in disease. Therefore, it has been classified as a Variant of Uncertain Significance.